The following is an entry in ClinVar:

NM_007294.4(BRCA1):c.5440G>C (p.Ala1814Pro)

Gene: BRCA1 (BRCA1 DNA repair associated; minus strand). Cytogenetic location: 17q21.31.
Variant type: single nucleotide variant.
Coding change: c.5440G>C on transcript NM_007294.4 (MANE Select); coding-DNA position 5440, G replaced by C.
Protein change: p.Ala1814Pro; replaces alanine 1814 with proline.
Molecular consequence: missense variant. On other transcripts: non-coding transcript variant (1).
Genome position (GRCh38, 1-based): chr17:43,047,670, C>G on the plus strand (G>C on the coding strand, the complement: BRCA1 is on the minus strand). VCF-style: chr17-43047670-C-G. GRCh37 (hg19) VCF-style: chr17-41199687-C-G.
Other names: c.5227G>C, p.Ala1743Pro (NM_001407571.1, NM_001407900.1, NM_001407902.1 and 12 more transcripts); c.5506G>C, p.Ala1836Pro (NM_001407581.1, NM_001407582.1); c.5503G>C, p.Ala1835Pro (NM_001407583.1, NM_001407585.1, NM_001407587.1 and 1 more transcripts); c.5437G>C, p.Ala1813Pro (NM_001407610.1, NM_001407611.1, NM_001407612.1 and 14 more transcripts); c.5434G>C, p.Ala1812Pro (NM_001407629.1, NM_001407630.1, NM_001407631.1 and 13 more transcripts); c.5380G>C, p.Ala1794Pro (NM_001407649.1); c.5362G>C, p.Ala1788Pro (NM_001407652.1, NM_001407653.1, NM_001407654.1 and 1 more transcripts); c.5359G>C, p.Ala1787Pro (NM_001407656.1, NM_001407657.1, NM_001407658.1); and 83 more; short protein forms C685S, A710P, A1767P, A1814P, A1835P, A1660P, A1686P, A1702P.
Identifiers: ClinVar variation 865517 (VCV000865517.3), dbSNP rs2050984571, ClinGen allele CA10590536.

Conditions:
Breast-ovarian cancer, familial, susceptibility to, 1 (BROVCA1). Also called: BRCA1 Hereditary Breast and Ovarian Cancer; OVARIAN CANCER, SUSCEPTIBILITY TO. Identifiers: Orphanet 145, MedGen C2676676, MONDO:0011450, OMIM 604370. Disease mechanism: loss of function.

Submission:

Brotman Baty Institute, University of Washington
No classification provided (evidence only). Condition: Breast-ovarian cancer, familial 1. Review status: no classification provided. Collection method: in vitro. Allele origin: not applicable. Functional consequence: function_uncertain_variant.
ClinVar note: "not provided" was previously submitted as the classification for the variant. However, the classification appeared to be based only on an observation of functional data so it was converted to no classification on 2025-07-30.